The following is an entry in ClinVar:

ClinVar aggregate classification (germline): Pathogenic (1 of 4 stars; one submission).

Conditions:
Tuberous sclerosis 2 (TSC2). Identifiers: Orphanet 805, MedGen C1860707, MONDO:0013199, OMIM 613254.

Submission:

Labcorp Genetics (formerly Invitae), Labcorp
Classification: Pathogenic for Tuberous sclerosis 2. Last evaluated: 2016-04-07. Review status: criteria provided, single submitter. Criteria: Invitae Variant Classification Sherloc (09022015). Collection method: clinical testing. Allele origin: germline.
Comment: This variant is a gross deletion of the genomic region encompassing exons 4-11 of the TSC2 gene. This leads to an in-frame deletion, preserving the integrity of the reading frame. Deletions of exons 4-11 of TSC2 have not been reported in the literature. This gross deletion encompasses a portion of the coiled-coil domain in TSC2 (amino acids 346-371) that mediates the interaction with TSC1 (PMID: 11741833, 9580671). An in-frame deletion of a single amino acid (p.Ile365del) in this region disrupts TSC1 binding (PMID: 11741833) and has been reported in multiple TSC patients (PMID: 10205261, 11112665), further emphasizing the importance of this domain. For these reasons, this variant has been classified as Pathogenic.

NC_000016.10:g.(?_2053342)_(2060813_?)del

Gene: TSC2 (TSC complex subunit 2; plus strand). Cytogenetic location: 16p13.3.
Variant type: Deletion.
Identifiers: ClinVar variation 417365 (VCV000417365.1).